The following is an entry in ClinVar:

NM_000344.4(SMN1):c.835G>C (p.Gly279Arg)

Gene: SMN1 (survival of motor neuron 1, telomeric). Cytogenetic location: 5q13.2.
Variant type: single nucleotide variant.
Coding change: c.835G>C on transcript NM_000344.4 (MANE Select); coding-DNA position 835, G replaced by C.
Protein change: p.Gly279Arg; replaces glycine 279 with arginine.
Molecular consequence: missense variant. On other transcripts: intron variant (1).
Genome position (GRCh38, 1-based): chr5:70,951,941, G>C. VCF-style: chr5-70951941-G-C. GRCh37 (hg19) VCF-style: chr5-70247768-G-C.
Other names: c.739G>C, p.Gly247Arg (NM_022874.2); c.835-498G>C (NM_001297715.1); short protein forms G247R, G279R.
Identifiers: ClinVar variation 1929368 (VCV001929368.6), dbSNP rs77969175, ClinGen allele CA360098099.

ClinVar aggregate classification (germline): Pathogenic/Likely pathogenic. Review status: criteria provided, multiple submitters, no conflicts (2 of 4 stars). 2 submissions from 2 submitters: Pathogenic (1); Likely pathogenic (1). Last evaluated 2023-02-02.

Conditions:
Spinal muscular atrophy (SMA). Identifiers: MedGen C0026847, MeSH D009134, MONDO:0001516, HP:0007269.

Submissions (2):

Laboratory for Molecular Medicine, Mass General Brigham Personalized Medicine
Classification: Likely pathogenic for Spinal muscular atrophy. Last evaluated: 2023-02-02. Review status: criteria provided, single submitter. Criteria: ACMG Guidelines, 2015. Collection method: clinical testing. Allele origin: germline.
Comment: The p.Gly279Arg variant in SMN1 has been previously reported in one individual with spinal muscular atrophy (SMA) who was compound heterozygous for the variant and a deletion of SMN1 (Bai 2021 PMID: 32812185). The variant has not been reported in large population databases. The variant is located in the first exonic base position at the intron 6/exon 7 splice site. In vitro functional studies suggest the variant may result in abberant splicing, and may also result in impaired protein function (Bai 2021 PMID: 32812185). ). Computational prediction tools and conservation analysis suggest that this variant may impact the protein. Additional variants at this position (p.Gly279Val, p.Gly279Asp, p.Gly279Cys) have been reported in SMA individuals, suggesting this position represents a mutational hotspot. In summary, although additional studies are required to fully establish its clinical significance, this variant meets criteria to be classified as likely pathogenic for autosomal recessive spinal muscular atrophy. ACMG/AMP criteria applied: PM3, PM2_Supporting, PP3, PS4_Supporting, PP4. (This variant did not meet the variant calling quality criteria, and was included because it has been previously reported as a clinically significant variant.)

Labcorp Genetics (formerly Invitae), Labcorp
Classification: Pathogenic for Spinal muscular atrophy. Last evaluated: 2022-02-03. Review status: criteria provided, single submitter. Criteria: Invitae Variant Classification Sherloc (09022015). Collection method: clinical testing. Allele origin: germline.
Comment: This sequence change replaces glycine, which is neutral and non-polar, with arginine, which is basic and polar, at codon 279 of the SMN1 protein (p.Gly279Arg). For these reasons, this variant has been classified as Pathogenic. Studies have shown that this variant is associated with altered splicing, but the impact on the resulting protein product is unknown (PMID: 32812185). Algorithms developed to predict the effect of missense changes on protein structure and function (SIFT, PolyPhen-2, Align-GVGD) all suggest that this variant is likely to be disruptive. This missense change has been observed in individual(s) with spinal muscular atrophy (PMID: 32552676, 32812185). In at least one individual the data is consistent with being in trans (on the opposite chromosome) from a pathogenic variant. The frequency data for this variant in the population databases (gnomAD) is considered unreliable due to the presence of homologous sequence, such as pseudogenes or paralogs, in the genome.

Literature cited by the submitters: PubMed 32812185 (cited by Labcorp Genetics (formerly Invitae), Labcorp); PubMed 32552676 (cited by Labcorp Genetics (formerly Invitae), Labcorp).